The following is an entry in ClinVar:

NM_181836.6(TMED7):c.169A>G (p.Thr57Ala)

Genes: TMED7 (transmembrane p24 trafficking protein 7; minus strand), TMED7-TICAM2 (TMED7-TICAM2 readthrough; minus strand). Cytogenetic location: 5q22.3.
Variant type: single nucleotide variant.
Coding change: c.169A>G on transcript NM_181836.6 (MANE Select); coding-DNA position 169, A replaced by G.
Protein change: p.Thr57Ala; replaces threonine 57 with alanine.
Molecular consequence: missense variant.
Genome position (GRCh38, 1-based): chr5:115,625,624, T>C on the plus strand (A>G on the coding strand, the complement: TMED7 is on the minus strand). VCF-style: chr5-115625624-T-C. GRCh37 (hg19) VCF-style: chr5-114961321-T-C.
Other names: c.169A>G, p.Thr57Ala (NM_001164468.4, NM_001164469.4); short protein forms T57A.
Identifiers: ClinVar variation 3606679 (VCV003606679.2).

ClinVar aggregate classification (germline): Uncertain significance (1 of 4 stars; one submission).

Submission:

Labcorp Genetics (formerly Invitae), Labcorp
Classification: Uncertain significance. Last evaluated: 2025-08-18. Review status: criteria provided, single submitter. Criteria: Invitae Variant Classification Sherloc (09022015). Collection method: clinical testing. Allele origin: germline.
Comment: This sequence change replaces threonine, which is neutral and polar, with alanine, which is neutral and non-polar, at codon 57 of the TMED7 protein (p.Thr57Ala). This variant is present in population databases (rs760834142, gnomAD 0.01%). This variant has not been reported in the literature in individuals affected with TMED7-related conditions. ClinVar contains an entry for this variant (Variation ID: 3606679). An algorithm developed to predict the effect of missense changes on protein structure and function (PolyPhen-2) suggests that this variant is likely to be disruptive. In summary, the available evidence is currently insufficient to determine the role of this variant in disease. Therefore, it has been classified as a Variant of Uncertain Significance.